The following is an entry in ClinVar:

NM_001042681.2(RERE):c.2808C>A (p.Ile936=)

Gene: RERE (arginine-glutamic acid dipeptide repeats; minus strand). Cytogenetic location: 1p36.23.
Variant type: single nucleotide variant.
Coding change: c.2808C>A on transcript NM_001042681.2 (MANE Select); coding-DNA position 2808, C replaced by A.
Protein change: p.Ile936=; no amino-acid change (isoleucine 936 retained).
Molecular consequence: synonymous variant.
Genome position (GRCh38, 1-based): chr1:8,360,699, G>T on the plus strand (C>A on the coding strand, the complement: RERE is on the minus strand). VCF-style: chr1-8360699-G-T. GRCh37 (hg19) VCF-style: chr1-8420759-G-T.
Other names: c.1146C>A, p.Ile382= (NM_001042682.2); c.2808C>A, p.Ile936= (NM_012102.4).
Identifiers: ClinVar variation 2672322 (VCV002672322.24), dbSNP rs374089396, ClinGen allele CA571304.

ClinVar aggregate classification (germline): Likely benign. Review status: criteria provided, multiple submitters, no conflicts (2 of 4 stars). 2 submissions from 2 submitters: Likely benign (2). Last evaluated 2024-08-15.

Allele frequency attached by ClinVar (database versions not stated): gnomAD 0.00006; ESP Exome Variant Server 0.00008.
gnomAD v4.1: 161 of 1,570,424 alleles (0.01%); highest among the groups gnomAD compares: Admixed American, 0.016%; no homozygotes.

Submissions (2):

Blueprint Genetics
Classification: Likely benign. Last evaluated: 2024-08-15. Review status: criteria provided, single submitter. Criteria: ACMG Guidelines, 2015. Collection method: clinical testing. Allele origin: germline.

CeGaT Center for Human Genetics Tuebingen
Classification: Likely benign. Last evaluated: 2023-11-01. Review status: criteria provided, single submitter. Criteria: CeGaT Center For Human Genetics Tuebingen Variant Classification Criteria Version 2. Collection method: clinical testing. Allele origin: germline. Affected: yes. Observed: 1 variant allele.
Comment: RERE: BP4, BP7